The following is an entry in ClinVar:

ClinVar aggregate classification (germline): Uncertain significance (1 of 4 stars; one submission).

Conditions:
Charcot-Marie-Tooth disease type 4. Also called: Charcot-Marie-Tooth disease, type IV; Charcot-Marie-Tooth, Type 4. Identifiers: Orphanet 64749, MedGen C4082197, MONDO:0018995.

Submission:

Labcorp Genetics (formerly Invitae), Labcorp
Classification: Uncertain significance for Charcot-Marie-Tooth disease type 4. Last evaluated: 2017-09-26. Review status: criteria provided, single submitter. Criteria: Invitae Variant Classification Sherloc (09022015). Collection method: clinical testing. Allele origin: germline.
Comment: This sequence change falls in intron 22 of the FIG4 gene. It does not directly change the encoded amino acid sequence of the FIG4 protein, but it affects a nucleotide within the consensus splice site of the intron. This variant is not present in population databases (ExAC no frequency). Nucleotide substitutions within the consensus splice site are relatively common causes of aberrant splicing (PMID: 17576681, 9536098). Algorithms developed to predict the effect of nucleotide changes on RNA splicing suggest that this variant may alter RNA splicing, but this prediction has not been confirmed by published transcriptional studies. In summary, this is a novel intronic change with uncertain impact on splicing. It has been classified as a Variant of Uncertain Significance.

NM_014845.6(FIG4):c.2546+5G>A

Gene: FIG4 (FIG4 phosphoinositide 5-phosphatase; plus strand). Cytogenetic location: 6q21.
Variant type: single nucleotide variant.
Coding change: c.2546+5G>A on transcript NM_014845.6 (MANE Select); 5 bases into the intron after coding-DNA position 2546, G replaced by A.
Molecular consequence: intron variant.
Genome position (GRCh38, 1-based): chr6:109,796,856, G>A. VCF-style: chr6-109796856-G-A. GRCh37 (hg19) VCF-style: chr6-110118059-G-A.
Identifiers: ClinVar variation 407084 (VCV000407084.1), dbSNP rs1060501401, ClinGen allele CA16611875.